The following is an entry in ClinVar:

ClinVar aggregate classification (germline): Conflicting classifications of pathogenicity. Review status: criteria provided, conflicting classifications (1 of 4 stars). 4 submissions from 4 submitters: Uncertain significance (2); Likely benign (2). Last evaluated 2026-07-01.

Conditions:
CACNA1G-related disorder. Also called: CACNA1G-related disorders; CACNA1G-related condition.
Inborn genetic diseases. Identifiers: MedGen C0950123, MeSH D030342.
Spinocerebellar ataxia type 42. Identifiers: Orphanet 458803, MedGen C4225205, MONDO:0014776, OMIM 616795.

Allele frequency attached by ClinVar (database versions not stated): ExAC 0.00001; gnomAD exomes 0.00001; gnomAD 0.00007 and 0.00008; TOPMed 0.00014.
gnomAD v4.1: 19 of 1,613,844 alleles (0.0012%); highest among the groups gnomAD compares: Admixed American, 0.02%; no homozygotes.

Submissions (4):

PreventionGenetics, part of Exact Sciences
Classification: Likely benign for CACNA1G-related condition. Last evaluated: 2026-07-01. Review status: criteria provided, single submitter. Criteria: ACMG Guidelines, 2015. Collection method: clinical testing. Allele origin: germline.
Comment: This variant is classified as likely benign based on ACMG/AMP sequence variant interpretation guidelines (Richards et al. 2015 PMID: 25741868, with internal and published modifications).

Labcorp Genetics (formerly Invitae), Labcorp
Classification: Likely benign. Last evaluated: 2022-12-02. Review status: criteria provided, single submitter. Criteria: Invitae Variant Classification Sherloc (09022015). Collection method: clinical testing. Allele origin: germline.

Ambry Genetics
Classification: Uncertain significance for Inborn genetic diseases. Last evaluated: 2022-07-19. Review status: criteria provided, single submitter. Criteria: Ambry Variant Classification Scheme 2023. Collection method: clinical testing. Allele origin: germline.

Baylor Genetics
Classification: Uncertain significance for Spinocerebellar ataxia type 42. Last evaluated: 2018-03-26. Review status: criteria provided, single submitter. Criteria: ACMG Guidelines, 2015. Collection method: clinical testing. Allele origin: unknown. Affected: yes.
Comment: This variant was determined to be of uncertain significance according to ACMG Guidelines, 2015 [PMID:25741868].

NM_018896.5(CACNA1G):c.2407A>C (p.Ile803Leu)

Gene: CACNA1G (calcium voltage-gated channel subunit alpha1 G; plus strand). Cytogenetic location: 17q21.33.
Variant type: single nucleotide variant.
Coding change: c.2407A>C on transcript NM_018896.5 (MANE Select); coding-DNA position 2407, A replaced by C.
Protein change: p.Ile803Leu; replaces isoleucine 803 with leucine.
Molecular consequence: missense variant. On other transcripts: non-coding transcript variant (5).
Genome position (GRCh38, 1-based): chr17:50,590,576, A>C. VCF-style: chr17-50590576-A-C. GRCh37 (hg19) VCF-style: chr17-48667937-A-C.
Other names: c.2407A>C, p.Ile803Leu (NM_198384.3, NM_198385.3, NM_198386.3 and 24 more transcripts); c.2407A>C (NM_018896.3); short protein forms I803L.
Identifiers: ClinVar variation 1033911 (VCV001033911.10), dbSNP rs747028553, ClinGen allele CA8652405.